The following is an entry in ClinVar:

NM_000271.5(NPC1):c.3830A>C (p.Asn1277Thr)

Gene: NPC1 (NPC intracellular cholesterol transporter 1; minus strand). Cytogenetic location: 18q11.2.
Variant type: single nucleotide variant.
Coding change: c.3830A>C on transcript NM_000271.5 (MANE Select); coding-DNA position 3830, A replaced by C.
Protein change: p.Asn1277Thr; replaces asparagine 1277 with threonine.
Molecular consequence: missense variant.
Genome position (GRCh38, 1-based): chr18:23,532,209, T>G on the plus strand (A>C on the coding strand, the complement: NPC1 is on the minus strand). VCF-style: chr18-23532209-T-G. GRCh37 (hg19) VCF-style: chr18-21112173-T-G.
Other names: short protein forms N1277T.
Identifiers: ClinVar variation 1966395 (VCV001966395.5), dbSNP rs745328444, ClinGen allele CA401790327.
Genomic context (GRCh38, chr18:23,532,209, plus strand): 5'-GGTAAACCGACCGACCCTTAGACACAGTTCAGTCAGGATGCCCTGCGAGAGGGCTAGAAA[T>G]TTAGAAGCCGTTCGCGCTCTGTTCCTTTGTATCGCTCTTCAGTGGCACAACTTTTGGCTT-3'
Protein context (NP_000262.2, residues 1267-1278): YKGTERERLL[Asn1277Thr]F

ClinVar aggregate classification (germline): Uncertain significance (1 of 4 stars; one submission).

Conditions:
Niemann-Pick disease, type C1. Also called: NIEMANN-PICK DISEASE, VARIANT TYPE C1; NEUROVISCERAL STORAGE DISEASE WITH VERTICAL SUPRANUCLEAR OPHTHALMOPLEGIA; NIEMANN-PICK DISEASE WITH CHOLESTEROL ESTERIFICATION BLOCK; NIEMANN-PICK DISEASE WITHOUT SPHINGOMYELINASE DEFICIENCY; NIEMANN-PICK DISEASE, CHRONIC NEURONOPATHIC FORM. Identifiers: Orphanet 646, MedGen C3179455, MONDO:0009757, OMIM 257220.

Allele frequency attached by ClinVar (database versions not stated): gnomAD 0.00001; TOPMed below 0.00001.
gnomAD v4.1: 2 of 1,614,008 alleles (0.00012%); highest among the groups gnomAD compares: South Asian, 0.0011%; no homozygotes.

Submission:

Labcorp Genetics (formerly Invitae), Labcorp
Classification: Uncertain significance for Niemann-Pick disease, type C1. Last evaluated: 2022-12-06. Review status: criteria provided, single submitter. Criteria: Invitae Variant Classification Sherloc (09022015). Collection method: clinical testing. Allele origin: germline.
Comment: In summary, the available evidence is currently insufficient to determine the role of this variant in disease. Therefore, it has been classified as a Variant of Uncertain Significance. Algorithms developed to predict the effect of sequence changes on RNA splicing suggest that this variant may create or strengthen a splice site. Algorithms developed to predict the effect of missense changes on protein structure and function (SIFT, PolyPhen-2, Align-GVGD) all suggest that this variant is likely to be tolerated. This variant has not been reported in the literature in individuals affected with NPC1-related conditions. This variant is not present in population databases (gnomAD no frequency). This sequence change replaces asparagine, which is neutral and polar, with threonine, which is neutral and polar, at codon 1277 of the NPC1 protein (p.Asn1277Thr).